The following is an entry in ClinVar:

NM_001692.4(ATP6V1B1):c.1204dup (p.Glu402fs)

Gene: ATP6V1B1 (ATPase H+ transporting V1 subunit B1; plus strand). Cytogenetic location: 2p13.3.
Variant type: Duplication.
Coding change: c.1204dup on transcript NM_001692.4 (MANE Select); coding-DNA position 1204, one base duplicated (G; older notation c.1204dupG).
Protein change: p.Glu402fs; shifts the reading frame from glutamic acid 402.
Molecular consequence: frameshift variant.
Genome position (GRCh38, 1-based): chr2:70,964,498, G duplicated; the last of 4 consecutive G bases (chr2:70,964,495-70,964,498); duplicating any one gives the same sequence. VCF-style (leftmost placement, unchanged base first): chr2-70964494-T-TG. GRCh37 (hg19) VCF-style: chr2-71191624-T-TG.
Other names: short protein forms E402fs.
Identifiers: ClinVar variation 1452280 (VCV001452280.6), dbSNP rs2104833879, ClinGen allele CA2573135886.

ClinVar aggregate classification (germline): Pathogenic (1 of 4 stars; one submission).

Submission:

Labcorp Genetics (formerly Invitae), Labcorp
Classification: Pathogenic. Last evaluated: 2021-11-26. Review status: criteria provided, single submitter. Criteria: Invitae Variant Classification Sherloc (09022015). Collection method: clinical testing. Allele origin: germline.
Comment: For these reasons, this variant has been classified as Pathogenic. This variant has not been reported in the literature in individuals affected with ATP6V1B1-related conditions. This variant is not present in population databases (gnomAD no frequency). This sequence change creates a premature translational stop signal (p.Glu402Glyfs*40) in the ATP6V1B1 gene. It is expected to result in an absent or disrupted protein product. Loss-of-function variants in ATP6V1B1 are known to be pathogenic (PMID: 9916796, 18368028).

Literature cited by the submitters: PubMed 9916796; PubMed 18368028.